The following is an entry in ClinVar:

ClinVar aggregate classification (germline): Uncertain significance. Review status: criteria provided, multiple submitters, no conflicts (2 of 4 stars). 3 submissions from 3 submitters: Uncertain significance (3). Last evaluated 2026-08-06.

Conditions:
Deficiency of 2-methylbutyryl-CoA dehydrogenase (ACADSB). Also called: 2-methylbutyryl-CoA dehydrogenase deficiency; SBCAD deficiency; 2-methylbutyric aciduria; Short branched-chain acyl-CoA dehydrogenase deficiency; 2-methylbutyrylglycinuria. Identifiers: Orphanet 79157, MedGen C1864912, MONDO:0012392, OMIM 610006, HP:0020147.

Allele frequency attached by ClinVar (database versions not stated): TOPMed 0.00002; gnomAD exomes 0.00003 and 0.00004; ExAC 0.00004; gnomAD 0.00004 and 0.00005; ESP Exome Variant Server 0.00008.
gnomAD v4.1: 61 of 1,613,268 alleles (0.0038%); highest among the groups gnomAD compares: Middle Eastern, 0.033%; no homozygotes.

Submissions (3):

OLLIN Analises Genomicas, OLLIN
Classification: Uncertain significance for Deficiency of 2-methylbutyryl-CoA dehydrogenase. Last evaluated: 2026-08-06. Review status: criteria provided, single submitter. Criteria: ACMG Guidelines 2015 PMID 25741868. Collection method: clinical testing. Allele origin: germline.
Comment: This missense variant, located in exon 11 (of 11), has been reported in ClinVar (accession VCV000850647.9) and in gnomAD with an allele frequency of 0.0038%. However, to our knowledge, it has not been reported in the scientific literature. In silico analysis predicts that this variant has a deleterious effect. According to the currently available evidence, this variant has been classified as uncertain significance (PM2_P, PP3).

Fulgent Genetics
Classification: Uncertain significance for Deficiency of 2-methylbutyryl-CoA dehydrogenase. Last evaluated: 2022-03-31. Review status: criteria provided, single submitter. Criteria: ACMG Guidelines, 2015. Collection method: clinical testing. Allele origin: unknown.

Labcorp Genetics (formerly Invitae), Labcorp
Classification: Uncertain significance for Deficiency of 2-methylbutyryl-CoA dehydrogenase. Last evaluated: 2021-03-19. Review status: criteria provided, single submitter. Criteria: Invitae Variant Classification Sherloc (09022015). Collection method: clinical testing. Allele origin: germline.
Comment: This sequence change replaces threonine with methionine at codon 411 of the ACADSB protein (p.Thr411Met). The threonine residue is moderately conserved and there is a moderate physicochemical difference between threonine and methionine. This variant is present in population databases (rs374629804, ExAC 0.02%). This variant has not been reported in the literature in individuals with ACADSB-related disease. Algorithms developed to predict the effect of missense changes on protein structure and function are either unavailable or do not agree on the potential impact of this missense change (SIFT: "Deleterious"; PolyPhen-2: "Probably Damaging"; Align-GVGD: "Class C0"). In summary, the available evidence is currently insufficient to determine the role of this variant in disease. Therefore, it has been classified as a Variant of Uncertain Significance.

NM_001609.4(ACADSB):c.1232C>T (p.Thr411Met)

Gene: ACADSB (acyl-CoA dehydrogenase short/branched chain; plus strand). Cytogenetic location: 10q26.13.
Variant type: single nucleotide variant.
Coding change: c.1232C>T on transcript NM_001609.4 (MANE Select); coding-DNA position 1232, C replaced by T.
Protein change: p.Thr411Met; replaces threonine 411 with methionine.
Molecular consequence: missense variant.
Genome position (GRCh38, 1-based): chr10:123,053,698, C>T. VCF-style: chr10-123053698-C-T. GRCh37 (hg19) VCF-style: chr10-124813214-C-T.
Other names: c.926C>T, p.Thr309Met (NM_001330174.3); short protein forms T411M, T309M.
Identifiers: ClinVar variation 850647 (VCV000850647.10), dbSNP rs374629804, ClinGen allele CA5730977.
Genomic context (GRCh38, chr10:123,053,698, plus strand): 5'-TCTTGTCTTAACCATGCGCCAACTCCTCATTGTTCCTTCTGCTTCCTTTTGCTTAAGGTA[C>T]GATATATGAAGGAGCTTCCAACATCCAGTTGAACACCATTGCAAAGCATATCGATGCAGA-3'
Protein context (NP_001600.1, residues 401-421): EKYFRDAKIG[Thr411Met]IYEGASNIQL